The following is an entry in ClinVar:

ClinVar aggregate classification (germline): Uncertain significance (1 of 4 stars; one submission).

Conditions:
Neuropathy, hereditary sensory, type 2C. Also called: KIF1A-Related HSAN2 (HSAN2C); Hereditary sensory and autonomic neuropathy type IIC. Identifiers: Orphanet 970, MedGen C3280168, MONDO:0013634, OMIM 614213.
Hereditary spastic paraplegia 30. Identifiers: Orphanet 101010, MedGen C5235139, MONDO:0012476.
Intellectual disability, autosomal dominant 9 (NESCAVS). Also called: NESCAV SYNDROME; KIF1A-Related Neurodevelopmental Disorder. Identifiers: Orphanet 662367, MedGen C5393830, MONDO:0013656, OMIM 614255.

Submission:

Labcorp Genetics (formerly Invitae), Labcorp
Classification: Uncertain significance for Hereditary spastic paraplegia 30; Neuropathy, hereditary sensory, type 2C; Intellectual disability, autosomal dominant 9. Last evaluated: 2023-10-13. Review status: criteria provided, single submitter. Criteria: Invitae Variant Classification Sherloc (09022015). Collection method: clinical testing. Allele origin: germline.
Comment: This sequence change replaces alanine, which is neutral and non-polar, with threonine, which is neutral and polar, at codon 620 of the KIF1A protein (p.Ala620Thr). This variant is not present in population databases (gnomAD no frequency). This variant has not been reported in the literature in individuals affected with KIF1A-related conditions. Advanced modeling of protein sequence and biophysical properties (such as structural, functional, and spatial information, amino acid conservation, physicochemical variation, residue mobility, and thermodynamic stability) has been performed at Invitae for this missense variant, however the output from this modeling did not meet the statistical confidence thresholds required to predict the impact of this variant on KIF1A protein function. In summary, the available evidence is currently insufficient to determine the role of this variant in disease. Therefore, it has been classified as a Variant of Uncertain Significance.

NM_001244008.2(KIF1A):c.1885G>A (p.Ala629Thr)

Gene: KIF1A (kinesin family member 1A; minus strand). Cytogenetic location: 2q37.3.
Variant type: single nucleotide variant.
Coding change: c.1885G>A on transcript NM_001244008.2 (MANE Select); coding-DNA position 1885, G replaced by A.
Protein change: p.Ala629Thr; replaces alanine 629 with threonine.
Molecular consequence: missense variant.
Genome position (GRCh38, 1-based): chr2:240,763,230, C>T on the plus strand (G>A on the coding strand, the complement: KIF1A is on the minus strand). VCF-style: chr2-240763230-C-T. GRCh37 (hg19) VCF-style: chr2-241702647-C-T.
Other names: c.1885G>A, p.Ala629Thr (NM_001320705.2, NM_001330289.2, NM_001379638.1); c.1960G>A, p.Ala654Thr (NM_001330290.2, NM_001379631.1, NM_001379634.1 and 2 more transcripts); c.1858G>A, p.Ala620Thr (NM_001379632.1, NM_001379633.1, NM_001379636.1 and 11 more transcripts); c.1933G>A, p.Ala645Thr (NM_001379637.1, NM_001379648.1); short protein forms A654T, A620T, A629T, A645T.
Identifiers: ClinVar variation 2945537 (VCV002945537.3), dbSNP rs2537671211, ClinGen allele CA351327068.